The following is an entry in ClinVar:

ClinVar aggregate classification (germline): Conflicting classifications of pathogenicity. Review status: criteria provided, conflicting classifications (1 of 4 stars). 3 submissions from 3 submitters: Pathogenic (1); Likely benign (1). 1 of the submissions does not count toward it. Last evaluated 2024-10-01.

Conditions:
Leber congenital amaurosis 4 (LCA4). Identifiers: MedGen C1858386, MONDO:0011458, OMIM 604393.
Leber congenital amaurosis (LCA). Also called: Leber's amaurosis. Identifiers: Orphanet 65, MedGen C0339527, MeSH D057130, MONDO:0018998.

Allele frequency attached by ClinVar (database versions not stated): gnomAD exomes below 0.00001 and 0.00001; gnomAD 0.00001; TOPMed 0.00001.
gnomAD v4.1: 3 of 1,613,454 alleles (0.00019%); highest among the groups gnomAD compares: Admixed American, 0.0017%; no homozygotes.

Submissions (3):

Lab De Baere, Eye and Developmental Genetics Lab, Ghent University
Classification: Pathogenic for Leber congenital amaurosis. Last evaluated: 2024-10-01. Review status: criteria provided, single submitter. Criteria: ACMG Guidelines, 2015. Collection method: research. Allele origin: inherited. Affected: yes. Observed: 2 variant alleles.
Comment: ACMG/AMP guidelines: PS4, PP4_PP, PVS1_PS2, PS3, PP1_PS, PM3_2

Labcorp Genetics (formerly Invitae), Labcorp
Classification: Likely benign for Leber congenital amaurosis 4. Last evaluated: 2023-03-01. Review status: criteria provided, single submitter. Criteria: Invitae Variant Classification Sherloc (09022015). Collection method: clinical testing. Allele origin: germline.

Laboratory of NeuroGenetics and Regenerative Medicine, University of Maryland School of Medicine
Classification: Uncertain significance for Leber congenital amaurosis 4. Review status: no assertion criteria provided. Collection method: research. Allele origin: inherited. Inheritance: Autosomal recessive inheritance. Affected: yes. Observed: 1 homozygote. Not counted in ClinVar's aggregate classification.

NM_014336.5(AIPL1):c.645G>A (p.Glu215=)

Gene: AIPL1 (AIP like 1 HSP90 co-chaperone; minus strand). Cytogenetic location: 17p13.2.
Variant type: single nucleotide variant.
Coding change: c.645G>A on transcript NM_014336.5 (MANE Select); coding-DNA position 645, G replaced by A.
Protein change: p.Glu215=; no amino-acid change (glutamic acid 215 retained).
Molecular consequence: synonymous variant. On other transcripts: intron variant (1).
Genome position (GRCh38, 1-based): chr17:6,426,754, C>T on the plus strand (G>A on the coding strand, the complement: AIPL1 is on the minus strand). VCF-style: chr17-6426754-C-T. GRCh37 (hg19) VCF-style: chr17-6330074-C-T.
Other names: c.465G>A, p.Glu155= (NM_001033055.3); c.456G>A, p.Glu152= (NM_001033054.3); c.609G>A, p.Glu203= (NM_001285399.3); c.579G>A, p.Glu193= (NM_001285400.3); c.528G>A, p.Glu176= (NM_001285402.2); c.621G>A, p.Glu207= (NM_001285403.4); c.643-70G>A (NM_001285401.3).
Identifiers: ClinVar variation 932302 (VCV000932302.6), dbSNP rs1297434866, ClinGen allele CA497687550.